The following is an entry in ClinVar:

ClinVar aggregate classification (germline): Uncertain significance (1 of 4 stars; one submission).

Submission:

GeneDx
Classification: Uncertain significance. Last evaluated: 2025-01-27. Review status: criteria provided, single submitter. Criteria: GeneDx Variant Classification Process June 2021. Collection method: clinical testing. Allele origin: germline. Affected: yes.
Comment: Not observed at significant frequency in large population cohorts (gnomAD); Intronic +5 splice site variant in a gene for which loss of function is a known mechanism of disease, and both splice predictors and evolutionary conservation support a deleterious effect, although in the absence of functional evidence the actual effect of this sequence change is unknown.; Has not been previously published as pathogenic or benign to our knowledge

NM_000278.5(PAX2):c.1108+5G>A

Gene: PAX2 (paired box 2; plus strand). Cytogenetic location: 10q24.31.
Variant type: single nucleotide variant.
Coding change: c.1108+5G>A on transcript NM_000278.5 (MANE Select); 5 bases into the intron after coding-DNA position 1108, G replaced by A.
Molecular consequence: intron variant.
Genome position (GRCh38, 1-based): chr10:100,827,100, G>A. VCF-style: chr10-100827100-G-A. GRCh37 (hg19) VCF-style: chr10-102586857-G-A.
Other names: c.1201+5G>A (NM_001304569.2); c.1177+5G>A (NM_003987.5, NM_003990.5); c.*1191+5G>A (NM_003988.5); c.1108+5G>A (NM_003989.5).
Identifiers: ClinVar variation 4071919 (VCV004071919.1).